The following is an entry in ClinVar:

ClinVar aggregate classification (germline): Pathogenic/Likely pathogenic. Review status: criteria provided, multiple submitters, no conflicts (2 of 4 stars). 10 submissions from 10 submitters: Pathogenic (7); Likely pathogenic (2). 1 of the submissions does not count toward it. Last evaluated 2026-07-22.

Conditions:
Saldino-Mainzer syndrome (SRTD9). Also called: SHORT-RIB THORACIC DYSPLASIA 9 WITHOUT POLYDACTYLY; short-rib thoracic dysplasia 9 with or without polydactyly; CONORENAL SYNDROME; Renal dysplasia, retinal pigmentary dystrophy, cerebellar ataxia and skeletal dysplasia. Identifiers: Orphanet 140969, MedGen C1849437, MONDO:0009964, OMIM 266920.
Retinitis pigmentosa (RP). Identifiers: Orphanet 791, MedGen C0035334, MeSH D012174, MONDO:0019200, OMIM 268000. Inheritance: Autosomal dominant, autosomal recessive and X linked inheritance.
Retinitis pigmentosa 80 (RP80). Identifiers: MedGen C4540439, MONDO:0054708, OMIM 617781.
Cystic renal disease.
IFT140-related disorder. Also called: IFT140-related condition.
IFT140-related disorders.
IFT140-associated disorder.
Polycystic kidney disease 9, susceptibility to. Identifiers: MedGen C6012712, MONDO:0976267, OMIM 621164.
Renal cyst. Also called: Cystic kidney disease; Renal cysts; cystic kidneys. Identifiers: MedGen C3887499, MONDO:0002473, HP:0000107.

Allele frequency attached by ClinVar (database versions not stated): gnomAD 0.00005 and 0.00006; TOPMed 0.00006; gnomAD exomes 0.00009; ExAC 0.00010; ESP Exome Variant Server 0.00015.

Submissions (10):

PreventionGenetics, part of Exact Sciences
Classification: Pathogenic for IFT140-related condition. Last evaluated: 2026-07-22. Review status: criteria provided, single submitter. Criteria: ACMG Guidelines, 2015. Collection method: clinical testing. Allele origin: germline.
Comment: The IFT140 c.1377G>A variant is predicted to result in premature protein termination (p.Trp459*). This variant has been reported in the heterozygous state in individuals with autosomal dominant polycystic kidney disease (Senum et al. 2022. PubMed ID: 34890546; Clark et al. 2024. PubMed ID: 39136524). This variant has also been reported with a second IFT140 variant in individuals with retinitis pigmentosa or retinal dystrophy (Xu et al. 2015. PubMed ID: 26216056; Zenteno et al. 2020. PubMed ID: 31736247). This variant is reported in 0.22% of alleles in individuals of Ashkenazi Jewish descent in gnomAD. Nonsense variants in IFT140 are expected to be pathogenic. Since loss-of-function of IFT140 is the disease causing mechanism for both autosomal dominant and recessive IFT140-related disorders, this variant is interpreted as pathogenic for both autosomal dominant and recessive IFT140-related disorders.

Labcorp Genetics (formerly Invitae), Labcorp
Classification: Pathogenic for Saldino-Mainzer syndrome. Last evaluated: 2026-01-02. Review status: criteria provided, single submitter. Criteria: Invitae Variant Classification Sherloc (09022015). Collection method: clinical testing. Allele origin: germline.
Comment: This sequence change creates a premature translational stop signal (p.Trp459*) in the IFT140 gene. It is expected to result in an absent or disrupted protein product. Loss-of-function variants in IFT140 are known to be pathogenic (PMID: 22503633, 23418020, 24009529, 26216056). This variant is present in population databases (rs140039128, gnomAD 0.2%). This premature translational stop signal has been observed in individual(s) with retinitis pigmentosa (PMID: 26216056). ClinVar contains an entry for this variant (Variation ID: 580815). For these reasons, this variant has been classified as Pathogenic.

Genetics Laboratory, Great Ormond Street Hospital NHS Foundation Trust, North Thames Genomic Laboratory Hub
Classification: Pathogenic for Cystic renal disease. Last evaluated: 2025-11-12. Review status: criteria provided, single submitter. Criteria: ACGS Best Practice Guidelines for Variant Classification in Rare Disease 2024 v1.2. Collection method: clinical testing. Allele origin: germline. Affected: yes.
Comment: PS4_moderate, PM2_moderate, PVS1_very-strong

Variantyx, Inc.
Classification: Pathogenic for Polycystic kidney disease 9, susceptibility to. Last evaluated: 2025-10-20. Review status: criteria provided, single submitter. Criteria: Variantyx Assertion Criteria 2022. Collection method: clinical testing. Allele origin: germline. Inheritance: Autosomal dominant inheritance. Affected: yes.
Comment: This is a nonsense variant in the IFT140 gene (OMIM: 614620). Pathogenic variants in this gene have been associated with autosomal dominant susceptibility to polycystic kidney disease 9. This variant introduces a premature termination codon in exon 12 out of 31 and is expected to result in loss of function, which is a known disease mechanism for IFT140 in this disorder (PMID: 34890546) (PVS1). This variant has been reported multiple unrelated affected individuals (PMID: 34890546, 36573973) (PS4_Moderate), and it has a 0.0013% maximum allele frequency in non-founder control populations (PM2). Inheritance from an unaffected or mildly affected parent has been reported, consistent with incomplete penetrance and variable expressivity for autosomal dominant susceptibility to polycystic kidney disease 9 (PMID:34890546). Based on the current evidence, this variant is classified as pathogenic for autosomal dominant susceptibility to polycystic kidney disease 9.

Institute of Human Genetics Munich, TUM University Hospital
Classification: Pathogenic for IFT140-associated disorder. Last evaluated: 2025-04-15. Review status: criteria provided, single submitter. Criteria: Classification criteria August 2017. Collection method: clinical testing. Allele origin: paternal. Inheritance: Autosomal dominant inheritance. Affected: yes. Observed: 1 variant allele.

Victorian Clinical Genetics Services, Murdoch Childrens Research Institute
Classification: Pathogenic for Renal cyst. Last evaluated: 2024-10-28. Review status: criteria provided, single submitter. Criteria: ACMG Guidelines, 2015. Collection method: clinical testing. Allele origin: germline. Affected: yes.
Comment: This variant is classified as Pathogenic. Evidence in support of pathogenic classification: Variant is predicted to cause nonsense-mediated decay (NMD) and loss of protein (premature termination codon is located at least 54 nucleotides upstream of the final exon-exon junction); Variant is present in gnomAD <0.01 (v4: 79 heterozygotes, 0 homozygotes); This variant has strong previous evidence of pathogenicity in unrelated individuals. This variant has been classified as pathogenic by clinical laboratories in ClinVar, and has been reported in the literature as compound heterozygous in at least one individual with retinitis pigmentosa, and as a single heterozygous variant in several families with autosomal dominant cystic kidney disease (PMIDs: 26216056, 31736247, 34890546); Other NMD-predicted variants comparable to the one identified in this case have very strong previous evidence for pathogenicity (DECIPHER). These variants have been reported in families with later onset autosomal dominant polycystic kidney disease (PMID: 34890546) and autosomal recessive IFT140-related conditions (PMIDs: 22503633, 26968735). Additional information: This variant is heterozygous; This gene is associated with both recessive and dominant disease. Retinitis pigmentosa 80 (MIM#617781) and short-rib thoracic dysplasia 9 with or without polydactyly (MIM#266920) are inherited in an autosomal recessive manner, while cystic kidney disease (MONDO:0002473), IFT140-related, is inherited in an autosomal dominant manner (OMIM, PMID: 34890546); An alternative amino acid change at the same position has been observed in gnomAD (v4: 59 heterozygote(s), 0 homozygote(s)); Segregation evidence for this variant is inconclusive. This variant has been observed in two affected individuals from one family with autosomal dominant cystic kidney disease (PMID: 34890546); Loss of function is a known mechanism of disease in this gene and is associated with retinitis pigmentosa 80 (MIM#617781), short-rib thoracic dysplasia 9 with or without polydactyly (MIM#266920) and cystic kidney disease (MONDO:0002473), IFT140-related (PMID: 34890546); The dominant condition associated with this gene may have incomplete penetrance. Parents of children with short-rib thoracic dysplasia 9 with or without polydactyly, who carry a single pathogenic variant that has also previously been associated with the dominant cystic kidney disease phenotype, have been reported as unaffected (PMID: 34890546). However, these parents weren't specifically assessed for cystic kidney disease; Inheritance information for this variant is not currently available in this individual.

Fulgent Genetics
Classification: Pathogenic for Saldino-Mainzer syndrome; Retinitis pigmentosa 80. Last evaluated: 2024-04-07. Review status: criteria provided, single submitter. Criteria: ACMG Guidelines, 2015. Collection method: clinical testing. Allele origin: germline.

Blueprint Genetics
Classification: Likely pathogenic for IFT140-related disorders. Last evaluated: 2024-01-12. Review status: criteria provided, single submitter. Criteria: ACMG Guidelines, 2015. Collection method: clinical testing. Allele origin: germline. Affected: yes. Observed: 5 variant alleles.

Broad Center for Mendelian Genomics, Broad Institute of MIT and Harvard
Classification: Likely pathogenic for Retinitis pigmentosa. Last evaluated: 2021-04-01. Review status: criteria provided, single submitter. Criteria: ACMG Guidelines, 2015. Collection method: curation. Allele origin: germline. Inheritance: Autosomal recessive inheritance. Affected: yes.
Comment: Through a review of available evidence we were able to apply the following criteria: PVS1, PM2. Based on this evidence we have classified this variant as Likely Pathogenic. If you have any questions about the classification please reach out to the Pierce Lab.

OMIM
Classification: risk factor for POLYCYSTIC KIDNEY DISEASE 9, SUSCEPTIBILITY TO. Last evaluated: 2025-04-18. Review status: no assertion criteria provided. Collection method: literature only. Allele origin: germline. Not counted in ClinVar's aggregate classification.

Literature cited by the submitters: PubMed 22503633 (cited by Labcorp Genetics (formerly Invitae), Labcorp and Victorian Clinical Genetics Services, Murdoch Childrens Research Institute); PubMed 23418020 (cited by Labcorp Genetics (formerly Invitae), Labcorp); PubMed 24009529 (cited by Labcorp Genetics (formerly Invitae), Labcorp); PubMed 26216056 (cited by 3 submitters); PubMed 34890546 (cited by 4 submitters); PubMed 36573973 (cited by Variantyx, Inc.); PubMed 31736247 (cited by Victorian Clinical Genetics Services, Murdoch Childrens Research Institute); PubMed 26968735 (cited by Victorian Clinical Genetics Services, Murdoch Childrens Research Institute); PubMed 34906470 (cited by Broad Center for Mendelian Genomics, Broad Institute of MIT and Harvard); PubMed 31980526 (cited by Broad Center for Mendelian Genomics, Broad Institute of MIT and Harvard).

NM_014714.4(IFT140):c.1377G>A (p.Trp459Ter)

Genes: IFT140 (intraflagellar transport 140; minus strand), LOC105371046 (uncharacterized LOC105371046; plus strand). Cytogenetic location: 16p13.3.
Variant type: single nucleotide variant.
Coding change: c.1377G>A on transcript NM_014714.4 (MANE Select); coding-DNA position 1377, G replaced by A.
Protein change: p.Trp459Ter; replaces tryptophan 459 with a stop codon.
Molecular consequence: nonsense.
Genome position (GRCh38, 1-based): chr16:1,583,369, C>T on the plus strand (G>A on the coding strand, the complement: IFT140 is on the minus strand). VCF-style: chr16-1583369-C-T. GRCh37 (hg19) VCF-style: chr16-1633370-C-T.
Other names: short protein forms W459*.
Identifiers: ClinVar variation 580815 (VCV000580815.29), dbSNP rs140039128, ClinGen allele CA7814321.